The following is an entry in ClinVar:

ClinVar aggregate classification (germline): Pathogenic/Likely pathogenic. Review status: criteria provided, multiple submitters, no conflicts (2 of 4 stars). 9 submissions from 9 submitters: Pathogenic (4); Likely pathogenic (4). 1 of the submissions does not count toward it. Last evaluated 2025-10-30.

Conditions:
Familial hyperinsulinism. Also called: Congenital hyperinsulinism. Identifiers: Orphanet 276525, MedGen C3888018, MONDO:0017182. Disease mechanism: loss of function.
Type 2 diabetes mellitus. Also called: Type II diabetes mellitus. Identifiers: MedGen C0011860, MeSH D003924, MONDO:0005148, OMIM 125853, HP:0005978.
ABCC8-related disorder.
Hyperinsulinemic hypoglycemia, familial, 1 (HHF1). Also called: HYPERINSULINISM, FAMILIAL, WITH PANCREATIC NESIDIOBLASTOSIS; HYPOGLYCEMIA, HYPERINSULINEMIC, OF INFANCY; Persistent hyperinsulinemic hypoglycemia of infancy; NESIDIOBLASTOSIS OF PANCREAS; Persistent Hyperinsulinemia Hypoglycemia of Infancy. Identifiers: Orphanet 276575, Orphanet 276598, MedGen C2931832, MONDO:0009734, OMIM 256450.
Diabetes mellitus, transient neonatal, 2 (TNDM2). Identifiers: Orphanet 99886, MedGen C1835887, MONDO:0012480, OMIM 610374. Disease mechanism: loss of function.
Diabetes mellitus, permanent neonatal 3. Also called: ABCC8-Related Permanent Neonatal Diabetes Mellitus. Identifiers: MedGen C5394303, MONDO:0030088, OMIM 618857.
Leucine-induced hypoglycemia (LIH). Also called: LEUCINE-SENSITIVE HYPOGLYCEMIA OF INFANCY. Identifiers: MedGen C0271714, MONDO:0009415, OMIM 240800.

Allele frequency attached by ClinVar (database versions not stated): gnomAD exomes below 0.00001 and 0.00001; ExAC 0.00001; TOPMed 0.00001; gnomAD 0.00002; ESP Exome Variant Server 0.00008.
gnomAD v4.1: 8 of 1,613,836 alleles (0.0005%); highest among the groups gnomAD compares: African/African-American, 0.0053%; no homozygotes.

Submissions (9):

Greenwood Genetic Center Diagnostic Laboratories, Greenwood Genetic Center
Classification: Likely pathogenic for ABCC8-related disorder. Last evaluated: 2025-10-30. Review status: criteria provided, single submitter. Criteria: ACMG Guidelines, 2015. Collection method: clinical testing. Allele origin: germline. Affected: yes.
Comment: PS3, PM2, PM3, PP3

Labcorp Genetics (formerly Invitae), Labcorp
Classification: Pathogenic. Last evaluated: 2024-10-26. Review status: criteria provided, single submitter. Criteria: Invitae Variant Classification Sherloc (09022015). Collection method: clinical testing. Allele origin: germline.
Comment: This sequence change replaces glutamic acid, which is acidic and polar, with lysine, which is basic and polar, at codon 501 of the ABCC8 protein (p.Glu501Lys). This variant is present in population databases (rs372307320, gnomAD 0.008%). This missense change has been observed in individual(s) with autosomal recessive diffuse or focal hyperinsulinism (PMID: 16357843, 24434300, 31218401). In at least one individual the data is consistent with being in trans (on the opposite chromosome) from a pathogenic variant. This variant has been reported in individual(s) with autosomal dominant hyperinsulinism (PMID: 31218401); however, the role of the variant in this condition is currently unclear. ClinVar contains an entry for this variant (Variation ID: 558304). Invitae Evidence Modeling of protein sequence and biophysical properties (such as structural, functional, and spatial information, amino acid conservation, physicochemical variation, residue mobility, and thermodynamic stability) indicates that this missense variant is expected to disrupt ABCC8 protein function with a positive predictive value of 95%. Experimental studies have shown that this missense change affects ABCC8 function (PMID: 17575084). For these reasons, this variant has been classified as Pathogenic.

Baylor Genetics
Classification: Likely pathogenic for Type 2 diabetes mellitus. Last evaluated: 2024-03-30. Review status: criteria provided, single submitter. Criteria: ACMG Guidelines, 2015. Collection method: clinical testing. Allele origin: unknown.

Fulgent Genetics
Classification: Likely pathogenic for Type 2 diabetes mellitus; Leucine-induced hypoglycemia; Hyperinsulinemic hypoglycemia, familial, 1; Diabetes mellitus, transient neonatal, 2; Diabetes mellitus, permanent neonatal 3. Last evaluated: 2024-03-30. Review status: criteria provided, single submitter. Criteria: ACMG Guidelines, 2015. Collection method: clinical testing. Allele origin: germline.

Broad Center for Mendelian Genomics, Broad Institute of MIT and Harvard
Classification: Likely pathogenic for Hyperinsulinemic hypoglycemia, familial, 1. Last evaluated: 2023-08-16. Review status: criteria provided, single submitter. Criteria: ACMG Guidelines, 2015. Collection method: curation. Allele origin: germline. Inheritance: Autosomal recessive inheritance.
Comment: The p.Glu501Lys variant in ABCC8 has been previously reported in 7 individuals with hyperinsulinemic hypoglycemia (PMID: 29082728, 25639667, 15562009, 28442472, 23275527), and has been seen in 0.008% (2/24924) of African/African American chromosomes by the Genome Aggregation Database (gnomAD; dbSNP: rs372307320). Although this variant has been seen in the general population in a heterozygous state, its frequency is low enough to be consistent with a recessive carrier frequency. This variant has also been reported in ClinVar (Variation ID: 558304) and has been interpreted as likely pathogenic/pathogenic by Counsyl, Genetic Services Laboratory (University of Chicago), Invitae, 3billion, and Women's Health and Genetics/Laboratory Corporation of America (LabCorp). Of the 7 affected individuals, 2 were compound heterozygotes that carried a pathogenic/likely pathogenic variant in trans, which increases the likelihood that the p.Glu501Lys variant is pathogenic (PMID: 28442472, 23275527). In vitro functional studies provide some evidence that the p.Glu501Lys variant may slightly impact protein function (PMID: 17575084). However, these types of assays may not accurately represent biological function. Computational prediction tools and conservation analyses suggest that this variant may impact the protein, though this information is not predictive enough to determine pathogenicity. In summary, although additional studies are required to fully establish its clinical significance, this variant is likely pathogenic for autosomal recessive hyperinsulinemic hypoglycemia. ACMG/AMP Criteria applied: PM3_strong, PP3, PM2_supporting, PS3_supporting (Richards 2015).

Women's Health and Genetics/Laboratory Corporation of America, LabCorp
Classification: Pathogenic for Familial hyperinsulinism. Last evaluated: 2022-12-11. Review status: criteria provided, single submitter. Criteria: LabCorp Variant Classification Summary - May 2015. Collection method: clinical testing. Allele origin: germline.
Comment: Variant summary: ABCC8 c.1501G>A (p.Glu501Lys) results in a conservative amino acid change located in the ABC transporter type 1, transmembrane domain (IPR011527) of the encoded protein sequence. Three of five in-silico tools predict a damaging effect of the variant on protein function. The variant allele was found at a frequency of 4e-06 in 250814 control chromosomes. c.1501G>A has been reported in the literature in multiple individuals affected with Congenital Hyperinsulinism predominantly with a diffuse histology (example, Su_2014, Snider_2013, Gong_2016, Li_2017, Wang_2017, Stanley_2014, Ni_2019, Atapattu_2017). These data indicate that the variant is very likely to be associated with disease. At least one publication reports experimental evidence evaluating an impact on protein function (Yan_2007). The most pronounced variant effect results in reduced cell surface expression. Four clinical diagnostic laboratories have submitted clinical-significance assessments for this variant to ClinVar after 2014 without evidence for independent evaluation. All laboratories classified the variant as pathogenic/likely pathogenic. Based on the evidence outlined above, the variant was classified as pathogenic.

3billion
Classification: Pathogenic for Hyperinsulinemic hypoglycemia, familial, 1. Last evaluated: 2022-09-01. Review status: criteria provided, single submitter. Criteria: ACMG Guidelines, 2015. Collection method: clinical testing. Allele origin: germline. Affected: yes. Observed: 1 homozygote.
Comment: This missense variant is observed at an extremely low frequency in the gnomAD v2.1.1 dataset (total allele frequency: <0.001%). In silico tool predictions suggest damaging effect of the variant on gene or gene product (REVEL: 0.95; 3Cnet: 0.96). Same nucleotide change resulting in same amino acid change has been previously reported as pathogenic/likely pathogenic with strong evidence (ClinVar ID: VCV000558304). The homozygous variant has been observed in multiple (>3) similarly affected unrelated individuals (PMID: 24434300, 28442472, 31218401). Therefore, this variant is classified as Pathogenic according to the recommendation of ACMG/AMP guideline.

Genetic Services Laboratory, University of Chicago
Classification: Pathogenic. Last evaluated: 2019-09-10. Review status: criteria provided, single submitter. Criteria: ACMG Guidelines, 2015. Collection method: clinical testing. Allele origin: germline. Affected: yes.

Counsyl
Classification: Likely pathogenic for Hyperinsulinemic hypoglycemia, familial, 1. Last evaluated: 2018-05-10. Review status: no assertion criteria provided. Collection method: clinical testing. Allele origin: unknown. Not counted in ClinVar's aggregate classification.

Literature cited by the submitters: PubMed 16357843 (cited by Labcorp Genetics (formerly Invitae), Labcorp); PubMed 24434300 (cited by 3 submitters); PubMed 31218401 (cited by 3 submitters); PubMed 17575084 (cited by 3 submitters); PubMed 14715863 (cited by Women's Health and Genetics/Laboratory Corporation of America, LabCorp); PubMed 17236890 (cited by Women's Health and Genetics/Laboratory Corporation of America, LabCorp); PubMed 23275527 (cited by Women's Health and Genetics/Laboratory Corporation of America, LabCorp and Counsyl); PubMed 28270372 (cited by Women's Health and Genetics/Laboratory Corporation of America, LabCorp); PubMed 28442472 (cited by 3 submitters); PubMed 29082728 (cited by Women's Health and Genetics/Laboratory Corporation of America, LabCorp); PubMed 25639667 (cited by Women's Health and Genetics/Laboratory Corporation of America, LabCorp and Counsyl); PubMed 15562009 (cited by Counsyl).

NM_000352.6(ABCC8):c.1501G>A (p.Glu501Lys)

Gene: ABCC8 (ATP binding cassette subfamily C member 8; minus strand). Cytogenetic location: 11p15.1.
Variant type: single nucleotide variant.
Coding change: c.1501G>A on transcript NM_000352.6 (MANE Select); coding-DNA position 1501, G replaced by A.
Protein change: p.Glu501Lys; replaces glutamic acid 501 with lysine.
Molecular consequence: missense variant. On other transcripts: non-coding transcript variant (1).
Genome position (GRCh38, 1-based): chr11:17,442,849, C>T on the plus strand (G>A on the coding strand, the complement: ABCC8 is on the minus strand). VCF-style: chr11-17442849-C-T. GRCh37 (hg19) VCF-style: chr11-17464396-C-T.
Other names: NM_000352.6(ABCC8):c.1501G>A; p.Glu501Lys; c.1501G>A, p.Glu501Lys (NM_001287174.3, NM_001351295.2); c.1498G>A, p.Glu500Lys (NM_001351296.2, NM_001351297.2); c.1501G>A (NM_000352.4); short protein forms E501K, E500K.
Identifiers: ClinVar variation 558304 (VCV000558304.21), dbSNP rs372307320, ClinGen allele CA5903548.
Genomic context (GRCh38, chr11:17,442,849, plus strand): 5'-GCGTGCGGAAGATGTTCTCCCAGGCGTACAGCTTCAGCAGCTTGATGCCGCGGAGCATCT[C>T]GTTGGTCTGCTTCAGCCGCTCATTGGAATACTCCTGCAGGGGTCCCCGAGTCAGAGGGGA-3'
Protein context (NP_000343.2, residues 491-511): YSNERLKQTN[Glu501Lys]MLRGIKLLKL